The following is an entry in ClinVar:

NM_003079.5(SMARCE1):c.938G>A (p.Arg313His)

Gene: SMARCE1 (SWI/SNF related BAF chromatin remodeling complex subunit E1; minus strand). Cytogenetic location: 17q21.2.
Variant type: single nucleotide variant.
Coding change: c.938G>A on transcript NM_003079.5 (MANE Select); coding-DNA position 938, G replaced by A.
Protein change: p.Arg313His; replaces arginine 313 with histidine.
Molecular consequence: missense variant.
Genome position (GRCh38, 1-based): chr17:40,630,803, C>T on the plus strand (G>A on the coding strand, the complement: SMARCE1 is on the minus strand). VCF-style: chr17-40630803-C-T. GRCh37 (hg19) VCF-style: chr17-38787055-C-T.
Other names: short protein forms R313H.
Identifiers: ClinVar variation 463438 (VCV000463438.21), dbSNP rs201577008, ClinGen allele CA8545132.

ClinVar aggregate classification (germline): Conflicting classifications of pathogenicity. Review status: criteria provided, conflicting classifications (1 of 4 stars). 4 submissions from 4 submitters: Uncertain significance (3); Likely benign (1). Last evaluated 2026-01-27.

Conditions:
Hereditary cancer-predisposing syndrome. Also called: Neoplastic Syndromes, Hereditary; Hereditary Cancer Syndrome; Hereditary neoplastic syndrome; Tumor predisposition. Identifiers: Orphanet 140162, MedGen C0027672, MeSH D009386, MONDO:0015356.
Familial meningioma. Also called: Meningioma, familial, susceptibility to. Identifiers: Orphanet 263662, MedGen C3551915, MONDO:0011789, OMIM 607174.

Allele frequency attached by ClinVar (database versions not stated): gnomAD 0.00007 and 0.00008; TOPMed 0.00008; ESP Exome Variant Server 0.00023.
gnomAD v4.1: 122 of 1,614,076 alleles (0.0076%); highest among the groups gnomAD compares: East Asian, 0.11%; no homozygotes.

Submissions (4):

Labcorp Genetics (formerly Invitae), Labcorp
Classification: Uncertain significance for Familial meningioma. Last evaluated: 2026-01-27. Review status: criteria provided, single submitter. Criteria: Invitae Variant Classification Sherloc (09022015). Collection method: clinical testing. Allele origin: germline.
Comment: This sequence change replaces arginine, which is basic and polar, with histidine, which is basic and polar, at codon 313 of the SMARCE1 protein (p.Arg313His). This variant is present in population databases (rs201577008, gnomAD 0.03%). This variant has not been reported in the literature in individuals affected with SMARCE1-related conditions. ClinVar contains an entry for this variant (Variation ID: 463438). Invitae Evidence Modeling of protein sequence and biophysical properties (such as structural, functional, and spatial information, amino acid conservation, physicochemical variation, residue mobility, and thermodynamic stability) indicates that this missense variant is not expected to disrupt SMARCE1 protein function with a negative predictive value of 80%. In summary, the available evidence is currently insufficient to determine the role of this variant in disease. Therefore, it has been classified as a Variant of Uncertain Significance.

GeneDx
Classification: Uncertain significance. Last evaluated: 2025-08-19. Review status: criteria provided, single submitter. Criteria: GeneDx Variant Classification Process June 2021. Collection method: clinical testing. Allele origin: germline. Affected: yes.
Comment: In silico analysis suggests that this missense variant does not alter protein structure/function; Has not been previously published as pathogenic or benign to our knowledge; This variant is associated with the following publications: (PMID: 25169753)

Baylor Genetics
Classification: Uncertain significance for Familial meningioma. Last evaluated: 2024-02-14. Review status: criteria provided, single submitter. Criteria: ACMG Guidelines, 2015. Collection method: clinical testing. Allele origin: unknown.

Ambry Genetics
Classification: Likely benign for Hereditary cancer-predisposing syndrome. Last evaluated: 2021-04-15. Review status: criteria provided, single submitter. Criteria: Ambry Variant Classification Scheme 2023. Collection method: clinical testing. Allele origin: germline.